The following is an entry in ClinVar:

ClinVar aggregate classification (germline): Uncertain significance (1 of 4 stars; one submission).

gnomAD v4.1: 2 of 1,614,036 alleles (0.00012%); highest among the groups gnomAD compares: African/African-American, 0.0027%; no homozygotes.

Submission:

Ambry Genetics
Classification: Uncertain significance. Last evaluated: 2024-12-28. Review status: criteria provided, single submitter. Criteria: Ambry Variant Classification Scheme 2023. Collection method: clinical testing. Allele origin: germline.
Comment: The p.Q406H variant (also known as c.1218G>C), located in coding exon 6 of the GFI1 gene, results from a G to C substitution at nucleotide position 1218. The glutamine at codon 406 is replaced by histidine, an amino acid with highly similar properties. This amino acid position is conserved. In addition, this alteration is predicted to be tolerated by in silico analysis. Based on the available evidence, the clinical significance of this variant remains unclear.

NM_005263.5(GFI1):c.1218G>C (p.Gln406His)

Genes: GFI1 (growth factor independent 1 transcriptional repressor; minus strand), LOC129930930 (ATAC-STARR-seq lymphoblastoid active region 1314; plus strand). Cytogenetic location: 1p22.1.
Variant type: single nucleotide variant.
Coding change: c.1218G>C on transcript NM_005263.5 (MANE Select); coding-DNA position 1218, G replaced by C.
Protein change: p.Gln406His; replaces glutamine 406 with histidine.
Molecular consequence: missense variant.
Genome position (GRCh38, 1-based): chr1:92,476,080, C>G on the plus strand (G>C on the coding strand, the complement: GFI1 is on the minus strand). VCF-style: chr1-92476080-C-G. GRCh37 (hg19) VCF-style: chr1-92941637-C-G.
Other names: c.1218G>C, p.Gln406His (NM_001127215.3, NM_001127216.3); short protein forms Q406H.
Identifiers: ClinVar variation 3853672 (VCV003853672.1).